The following is an entry in ClinVar:

ClinVar aggregate classification (germline): Conflicting classifications of pathogenicity. Review status: criteria provided, conflicting classifications (1 of 4 stars). 3 submissions from 3 submitters: Pathogenic (1); Likely pathogenic (1); Uncertain significance (1). Last evaluated 2025-07-10.

Conditions:
Progressive sclerosing poliodystrophy (MTDPS4A). Also called: Mitochondrial DNA depletion syndrome 4A (Alpers type); Alpers Syndrome; ALPERS DIFFUSE DEGENERATION OF CEREBRAL GRAY MATTER WITH HEPATIC CIRRHOSIS; Mitochondrial DNA Depletion Syndrome 4A; Alpers-Huttenlocher Syndrome (AHS); ALPERS PROGRESSIVE INFANTILE POLIODYSTROPHY. Identifiers: Orphanet 726, MedGen C0205710, MONDO:0008758, OMIM 203700.

Submissions (3):

GeneDx
Classification: Likely pathogenic. Last evaluated: 2025-07-10. Review status: criteria provided, single submitter. Criteria: GeneDx Variant Classification Process June 2021. Collection method: clinical testing. Allele origin: germline. Affected: yes.
Comment: Identified in an individual with seizures, developmental delay, hypotonia, ataxia, spasticity, muscle weakness, and an abnormal muscle biopsy; however, a second POLG variant was not described in the individual (PMID: 21880868); Not observed at significant frequency in large population cohorts (gnomAD); In silico analysis supports that this missense variant has a deleterious effect on protein structure/function; This variant is associated with the following publications: (PMID: 21880868, Betler2024[Review], 39091670)

Labcorp Genetics (formerly Invitae), Labcorp
Classification: Uncertain significance for Progressive sclerosing poliodystrophy. Last evaluated: 2024-12-15. Review status: criteria provided, single submitter. Criteria: Invitae Variant Classification Sherloc (09022015). Collection method: clinical testing. Allele origin: germline.
Comment: This sequence change replaces proline, which is neutral and non-polar, with leucine, which is neutral and non-polar, at codon 625 of the POLG protein (p.Pro625Leu). This variant is not present in population databases (gnomAD no frequency). This missense change has been observed in individual(s) with clinical features of POLG-related conditions (PMID: 21880868). ClinVar contains an entry for this variant (Variation ID: 419975). Invitae Evidence Modeling of protein sequence and biophysical properties (such as structural, functional, and spatial information, amino acid conservation, physicochemical variation, residue mobility, and thermodynamic stability) indicates that this missense variant is expected to disrupt POLG protein function with a positive predictive value of 95%. In summary, the available evidence is currently insufficient to determine the role of this variant in disease. Therefore, it has been classified as a Variant of Uncertain Significance.

Wong Mito Lab, Molecular and Human Genetics, Baylor College of Medicine
Classification: Pathogenic for Progressive sclerosing poliodystrophy. Last evaluated: 2018-10-01. Review status: criteria provided, single submitter. Criteria: ACMG Guidelines, 2015. Collection method: clinical testing. Allele origin: germline.
Comment: The NM_002693.2:c.1874C>T (NP_002684.1:p.Pro625Leu) [GRCH38: NC_000015.10:g.89325525G>A] variant in POLG gene is interpretated to be a Pathogenic based on ACMG guidelines (PMID: 25741868). This variant has been reported in PMID:21880868 . This variant meets the following evidence codes reported in the ACMG-guideline. PS1:This variation causes same amino-acid change as an established pathogenic variant. PM2:This variant is absent in key population databases. PM3:Detected in trans with a pathogenic variant for Mitochondrial DNA depletion syndrome 4A (Alpers type) which is a recessive disorder. PP1:This variant is co-segregated with Mitochondrial DNA depletion syndrome 4A (Alpers type) in multiple affected family members. PP2:This is a missense variant in POLG with a low rate of benign and high rate of pathogenic missense variations. PP4:Patient's phenotype or family history is highly specific for POLG. Based on the evidence criteria codes applied, the variant is suggested to be Pathogenic.

Literature cited by the submitters: PubMed 21880868 (cited by Labcorp Genetics (formerly Invitae), Labcorp and Wong Mito Lab, Molecular and Human Genetics, Baylor College of Medicine).

NM_002693.3(POLG):c.1874C>T (p.Pro625Leu)

Gene: POLG (DNA polymerase gamma, catalytic subunit; minus strand). Cytogenetic location: 15q26.1.
Variant type: single nucleotide variant.
Coding change: c.1874C>T on transcript NM_002693.3 (MANE Select); coding-DNA position 1874, C replaced by T.
Protein change: p.Pro625Leu; replaces proline 625 with leucine.
Molecular consequence: missense variant.
Genome position (GRCh38, 1-based): chr15:89,325,525, G>A on the plus strand (C>T on the coding strand, the complement: POLG is on the minus strand). VCF-style: chr15-89325525-G-A. GRCh37 (hg19) VCF-style: chr15-89868756-G-A.
Other names: c.1874C>T, p.Pro625Leu (NM_001126131.2); short protein forms P625L.
Identifiers: ClinVar variation 419975 (VCV000419975.13), dbSNP rs1064794214, ClinGen allele CA10602206.